The following is an entry in ClinVar:

ClinVar aggregate classification (germline): Benign/Likely benign. Review status: criteria provided, multiple submitters, no conflicts (2 of 4 stars). 2 submissions from 2 submitters: Benign (1); Likely benign (1). Last evaluated 2024-04-20.

Conditions:
Idiopathic generalized epilepsy. Also called: Generalised epilepsy; EIG. Identifiers: MedGen C0270850, MONDO:0005579, OMIM 600669.
Hyperaldosteronism, familial, type IV (HALD4). Also called: FH IV; ALDOSTERONISM, PRIMARY, AND HYPERTENSION. Identifiers: Orphanet 642671, MedGen C4310756, MONDO:0014875, OMIM 617027.

Allele frequency attached by ClinVar (database versions not stated): gnomAD exomes 0.00002; ExAC 0.00003; gnomAD 0.00003; TOPMed 0.00005; ESP Exome Variant Server 0.00008; 1000 Genomes Project 30x 0.00016.

Submissions (2):

Labcorp Genetics (formerly Invitae), Labcorp
Classification: Benign for Idiopathic generalized epilepsy; Hyperaldosteronism, familial, type IV. Last evaluated: 2024-04-20. Review status: criteria provided, single submitter. Criteria: Invitae Variant Classification Sherloc (09022015). Collection method: clinical testing. Allele origin: germline.

CeGaT Center for Human Genetics Tuebingen
Classification: Likely benign. Last evaluated: 2024-01-01. Review status: criteria provided, single submitter. Criteria: CeGaT Center For Human Genetics Tuebingen Variant Classification Criteria Version 2. Collection method: clinical testing. Allele origin: germline. Affected: yes. Observed: 1 variant allele.
Comment: CACNA1H: BP4, BP7

NM_021098.3(CACNA1H):c.306C>T (p.Phe102=)

Gene: CACNA1H (calcium voltage-gated channel subunit alpha1 H; plus strand). Cytogenetic location: 16p13.3.
Variant type: single nucleotide variant.
Coding change: c.306C>T on transcript NM_021098.3 (MANE Select); coding-DNA position 306, C replaced by T.
Protein change: p.Phe102=; no amino-acid change (phenylalanine 102 retained).
Molecular consequence: synonymous variant.
Genome position (GRCh38, 1-based): chr16:1,194,978, C>T. VCF-style: chr16-1194978-C-T. GRCh37 (hg19) VCF-style: chr16-1244978-C-T.
Other names: c.306C>T, p.Phe102= (NM_001005407.2).
Identifiers: ClinVar variation 2923371 (VCV002923371.25), dbSNP rs368191219, ClinGen allele CA7799353.